The following is an entry in ClinVar:

NM_001429.4(EP300):c.3996C>T (p.Thr1332=)

Gene: EP300 (EP300 lysine acetyltransferase; plus strand). Cytogenetic location: 22q13.2.
Variant type: single nucleotide variant.
Coding change: c.3996C>T on transcript NM_001429.4 (MANE Select); coding-DNA position 3996, C replaced by T.
Protein change: p.Thr1332=; no amino-acid change (threonine 1332 retained).
Molecular consequence: synonymous variant.
Genome position (GRCh38, 1-based): chr22:41,168,570, C>T. VCF-style: chr22-41168570-C-T. GRCh37 (hg19) VCF-style: chr22-41564574-C-T.
Other names: c.3996C>T (NM_001429.3); c.3918C>T, p.Thr1306= (NM_001362843.2).
Identifiers: ClinVar variation 1615288 (VCV001615288.11), dbSNP rs142288817, ClinGen allele CA10253301.

ClinVar aggregate classification (germline): Benign. Review status: criteria provided, single submitter (1 of 4 stars). 2 submissions from 2 submitters: Benign (1). 1 of the submissions does not count toward it. Last evaluated 2025-09-08.

Conditions:
EP300-related disorder. Also called: EP300-related condition; EP300-related disorders.
Rubinstein-Taybi syndrome due to EP300 haploinsufficiency. Also called: EP300-Related Rubinstein-Taybi Syndrome; RUBINSTEIN-TAYBI SYNDROME 2. Identifiers: Orphanet 353284, Orphanet 783, MedGen C3150941, MONDO:0013364, OMIM 613684.

Allele frequency attached by ClinVar (database versions not stated): ESP Exome Variant Server 0.00054.
gnomAD v4.1: 91 of 1,613,982 alleles (0.0056%); highest among the groups gnomAD compares: African/African-American, 0.1%; no homozygotes.

Submissions (2):

Labcorp Genetics (formerly Invitae), Labcorp
Classification: Benign for Rubinstein-Taybi syndrome due to EP300 haploinsufficiency. Last evaluated: 2025-09-08. Review status: criteria provided, single submitter. Criteria: Invitae Variant Classification Sherloc (09022015). Collection method: clinical testing. Allele origin: germline.

PreventionGenetics, part of Exact Sciences
Classification: Likely benign for EP300-related condition. Last evaluated: 2021-10-18. Review status: no assertion criteria provided. Collection method: clinical testing. Allele origin: germline. Not counted in ClinVar's aggregate classification.
Comment: This variant is classified as likely benign based on ACMG/AMP sequence variant interpretation guidelines (Richards et al. 2015 PMID: 25741868, with internal and published modifications).